The following is an entry in ClinVar:

ClinVar aggregate classification (germline): Uncertain significance. Review status: criteria provided, multiple submitters, no conflicts (2 of 4 stars). 3 submissions from 3 submitters: Uncertain significance (3). Last evaluated 2023-12-26.

Conditions:
Hypertrophic cardiomyopathy 1 (CMH1). Also called: Familial hypertrophic cardiomyopathy 1; MYH7-Related Familial Hypertrophic Cardiomyopathy. Identifiers: MedGen C3495498, MONDO:0008647, OMIM 192600.

Submissions (3):

GeneDx
Classification: Uncertain significance. Last evaluated: 2023-12-26. Review status: criteria provided, single submitter. Criteria: GeneDx Variant Classification Process June 2021. Collection method: clinical testing. Allele origin: germline. Affected: yes.
Comment: Not observed at significant frequency in large population cohorts (gnomAD); In silico analysis supports that this missense variant does not alter protein structure/function; Has not been previously published as pathogenic or benign to our knowledge

Ambry Genetics
Classification: Uncertain significance. Last evaluated: 2023-05-18. Review status: criteria provided, single submitter. Criteria: Ambry Variant Classification Scheme 2023. Collection method: clinical testing. Allele origin: germline.
Comment: The p.R340S variant (also known as c.1018C>A), located in coding exon 6 of the MYLK2 gene, results from a C to A substitution at nucleotide position 1018. The arginine at codon 340 is replaced by serine, an amino acid with dissimilar properties. This amino acid position is conserved. In addition, this alteration is predicted to be tolerated by in silico analysis. Since supporting evidence is limited at this time, the clinical significance of this alteration remains unclear.

Labcorp Genetics (formerly Invitae), Labcorp
Classification: Uncertain significance for Hypertrophic cardiomyopathy 1. Last evaluated: 2022-09-23. Review status: criteria provided, single submitter. Criteria: Invitae Variant Classification Sherloc (09022015). Collection method: clinical testing. Allele origin: germline.
Comment: Advanced modeling of protein sequence and biophysical properties (such as structural, functional, and spatial information, amino acid conservation, physicochemical variation, residue mobility, and thermodynamic stability) performed at Invitae indicates that this missense variant is not expected to disrupt MYLK2 protein function. In summary, the available evidence is currently insufficient to determine the role of this variant in disease. Therefore, it has been classified as a Variant of Uncertain Significance. This variant has not been reported in the literature in individuals affected with MYLK2-related conditions. This variant is present in population databases (rs763678910, gnomAD 0.002%). This sequence change replaces arginine, which is basic and polar, with serine, which is neutral and polar, at codon 340 of the MYLK2 protein (p.Arg340Ser).

NM_033118.4(MYLK2):c.1018C>A (p.Arg340Ser)

Gene: MYLK2 (myosin light chain kinase 2; plus strand). Cytogenetic location: 20q11.21.
Variant type: single nucleotide variant.
Coding change: c.1018C>A on transcript NM_033118.4 (MANE Select); coding-DNA position 1018, C replaced by A.
Protein change: p.Arg340Ser; replaces arginine 340 with serine.
Molecular consequence: missense variant.
Genome position (GRCh38, 1-based): chr20:31,826,650, C>A. VCF-style: chr20-31826650-C-A. GRCh37 (hg19) VCF-style: chr20-30414453-C-A.
Other names: short protein forms R340S.
Identifiers: ClinVar variation 2189980 (VCV002189980.7), dbSNP rs763678910, ClinGen allele CA9803081.
Genomic context (GRCh38, chr20:31,826,650, plus strand): 5'-TTCCCTGGTCCCCAGGAAATGGTGTTGCTGGAGATTGAGGTCATGAACCAGCTGAACCAC[C>A]GCAATCTGATCCAGCTGTATGCAGCCATCGAGACTCCGCATGAGATCGTCCTGTTCATGG-3'
Protein context (NP_149109.1, residues 330-350): EIEVMNQLNH[Arg340Ser]NLIQLYAAIE